The following is an entry in ClinVar:

NM_004519.4(KCNQ3):c.604+6T>C

Gene: KCNQ3 (potassium voltage-gated channel subfamily Q member 3; minus strand). Cytogenetic location: 8q24.22.
Variant type: single nucleotide variant.
Coding change: c.604+6T>C on transcript NM_004519.4 (MANE Select); 6 bases into the intron after coding-DNA position 604, T replaced by C.
Molecular consequence: intron variant.
Genome position (GRCh38, 1-based): chr8:132,184,235, A>G on the plus strand (T>C on the coding strand, the complement: KCNQ3 is on the minus strand). VCF-style: chr8-132184235-A-G. GRCh37 (hg19) VCF-style: chr8-133196482-A-G.
Other names: c.244+6T>C (NM_001204824.2).
Identifiers: ClinVar variation 1057181 (VCV001057181.7), dbSNP rs775976589, ClinGen allele CA4880892.
Genomic context (GRCh38, chr8:132,184,235, plus strand): 5'-CTCAGAGAAACAATGCCCCAAAAGAAGGGAACTGAGGAGGCTGGGAGGCTCAGGGTCAGG[A>G]CTTACCCAACATGCACAGGGGCTTCCTGGCAAACTTCAGTCGGCCCCGCCAGCCTTTGTA-3'

ClinVar aggregate classification (germline): Uncertain significance (1 of 4 stars; one submission).

Conditions:
Benign neonatal seizures. Also called: Benign familial neonatal epilepsy; Benign familial neonatal seizures; Benign neonatal familial convulsions; Convulsions benign familial neonatal dominant form; Autosomal dominant form of benign neonatal seizures. Identifiers: Orphanet 1949, MedGen C0220669, MONDO:0016027.

Allele frequency attached by ClinVar (database versions not stated): gnomAD exomes below 0.00001 and 0.00001; ExAC 0.00002; gnomAD 0.00007 and 0.00008; TOPMed 0.00008.
gnomAD v4.1: 13 of 1,614,040 alleles (0.00081%); highest among the groups gnomAD compares: African/African-American, 0.017%; no homozygotes.

Submission:

Labcorp Genetics (formerly Invitae), Labcorp
Classification: Uncertain significance for Benign neonatal seizures. Last evaluated: 2026-01-28. Review status: criteria provided, single submitter. Criteria: Invitae Variant Classification Sherloc (09022015). Collection method: clinical testing. Allele origin: germline.
Comment: This sequence change falls in intron 3 of the KCNQ3 gene. It does not directly change the encoded amino acid sequence of the KCNQ3 protein. It affects a nucleotide within the consensus splice site. This variant is present in population databases (rs775976589, gnomAD 0.02%). This variant has not been reported in the literature in individuals affected with KCNQ3-related conditions. ClinVar contains an entry for this variant (Variation ID: 1057181). Variants that disrupt the consensus splice site are a relatively common cause of aberrant splicing (PMID: 17576681, 9536098). Algorithms developed to predict the effect of sequence changes on RNA splicing suggest that this variant is not likely to affect RNA splicing. In summary, the available evidence is currently insufficient to determine the role of this variant in disease. Therefore, it has been classified as a Variant of Uncertain Significance.

Literature cited by the submitters: PubMed 17576681; PubMed 9536098.